The following is an entry in ClinVar:

NM_002470.4(MYH3):c.5147T>C (p.Leu1716Pro)

Gene: MYH3 (myosin heavy chain 3; minus strand). Cytogenetic location: 17p13.1.
Variant type: single nucleotide variant.
Coding change: c.5147T>C on transcript NM_002470.4 (MANE Select); coding-DNA position 5147, T replaced by C.
Protein change: p.Leu1716Pro; replaces leucine 1716 with proline.
Molecular consequence: missense variant.
Genome position (GRCh38, 1-based): chr17:10,631,826, A>G on the plus strand (T>C on the coding strand, the complement: MYH3 is on the minus strand). VCF-style: chr17-10631826-A-G. GRCh37 (hg19) VCF-style: chr17-10535143-A-G.
Other names: short protein forms L1716P.
Identifiers: ClinVar variation 3632513 (VCV003632513.2).

ClinVar aggregate classification (germline): Uncertain significance (1 of 4 stars; one submission).

gnomAD v4.1: 6 of 1,613,950 alleles (0.00037%); highest among the groups gnomAD compares: Non-Finnish European, 0.00051%; no homozygotes.

Submission:

Labcorp Genetics (formerly Invitae), Labcorp
Classification: Uncertain significance. Last evaluated: 2024-12-24. Review status: criteria provided, single submitter. Criteria: Invitae Variant Classification Sherloc (09022015). Collection method: clinical testing. Allele origin: germline.
Comment: This sequence change replaces leucine, which is neutral and non-polar, with proline, which is neutral and non-polar, at codon 1716 of the MYH3 protein (p.Leu1716Pro). This variant is not present in population databases (gnomAD no frequency). This variant has not been reported in the literature in individuals affected with MYH3-related conditions. Invitae Evidence Modeling of protein sequence and biophysical properties (such as structural, functional, and spatial information, amino acid conservation, physicochemical variation, residue mobility, and thermodynamic stability) has been performed for this missense variant. However, the output from this modeling did not meet the statistical confidence thresholds required to predict the impact of this variant on MYH3 protein function. In summary, the available evidence is currently insufficient to determine the role of this variant in disease. Therefore, it has been classified as a Variant of Uncertain Significance.